The following is an entry in ClinVar:

ClinVar aggregate classification (germline): Conflicting classifications of pathogenicity. Review status: criteria provided, conflicting classifications (1 of 4 stars). 2 submissions from 2 submitters: Uncertain significance (1); Likely benign (1). Last evaluated 2024-12-19.

Conditions:
Hereditary cancer-predisposing syndrome. Also called: Hereditary neoplastic syndrome; Neoplastic Syndromes, Hereditary; Tumor predisposition; Hereditary Cancer Syndrome. Identifiers: Orphanet 140162, MedGen C0027672, MeSH D009386, MONDO:0015356.
Hereditary diffuse gastric adenocarcinoma (HDGC). Also called: DIFFUSE GASTRIC AND LOBULAR BREAST CANCER SYNDROME. Identifiers: Orphanet 26106, MedGen C1708349, MONDO:0007648, OMIM 137215.

Submissions (2):

Labcorp Genetics (formerly Invitae), Labcorp
Classification: Uncertain significance for Hereditary diffuse gastric adenocarcinoma. Last evaluated: 2024-12-19. Review status: criteria provided, single submitter. Criteria: Invitae Variant Classification Sherloc (09022015). Collection method: clinical testing. Allele origin: germline.
Comment: This sequence change replaces proline, which is neutral and non-polar, with serine, which is neutral and polar, at codon 126 of the CDH1 protein (p.Pro126Ser). This variant is not present in population databases (gnomAD no frequency). This variant has not been reported in the literature in individuals affected with CDH1-related conditions. ClinVar contains an entry for this variant (Variation ID: 463777). An algorithm developed to predict the effect of missense changes on protein structure and function (PolyPhen-2) suggests that this variant is likely to be tolerated. In summary, the available evidence is currently insufficient to determine the role of this variant in disease. Therefore, it has been classified as a Variant of Uncertain Significance.

Ambry Genetics
Classification: Likely benign for Hereditary cancer-predisposing syndrome. Last evaluated: 2024-02-20. Review status: criteria provided, single submitter. Criteria: Ambry Variant Classification Scheme 2023. Collection method: clinical testing. Allele origin: germline.

NM_004360.5(CDH1):c.376C>T (p.Pro126Ser)

Gene: CDH1 (cadherin 1; plus strand). Cytogenetic location: 16q22.1.
Variant type: single nucleotide variant.
Coding change: c.376C>T on transcript NM_004360.5 (MANE Select); coding-DNA position 376, C replaced by T.
Protein change: p.Pro126Ser; replaces proline 126 with serine.
Molecular consequence: missense variant. On other transcripts: 5 prime UTR variant (2).
Genome position (GRCh38, 1-based): chr16:68,801,882, C>T. VCF-style: chr16-68801882-C-T. GRCh37 (hg19) VCF-style: chr16-68835785-C-T.
Other names: c.-1240C>T (NM_001317185.2); c.376C>T (LRG_301t1); c.376C>T, p.Pro126Ser (NM_001317184.2); c.-1444C>T (NM_001317186.2); short protein forms P126S.
Identifiers: ClinVar variation 463777 (VCV000463777.12), dbSNP rs1555514491, ClinGen allele CA396457487.